The following is an entry in ClinVar:

ClinVar aggregate classification (germline): Uncertain significance (1 of 4 stars; one submission).

Conditions:
Primary dilated cardiomyopathy (DCM). Also called: Dilated Cardiomyopathy. Identifiers: Orphanet 217604, MedGen C0007193, MeSH D002311, MONDO:0005021, HP:0001644. Inheritance: Various modes of inheritance.

Allele frequency attached by ClinVar (database versions not stated): ESP Exome Variant Server 0.00008.

Submission:

Labcorp Genetics (formerly Invitae), Labcorp
Classification: Uncertain significance for Primary dilated cardiomyopathy. Last evaluated: 2017-09-11. Review status: criteria provided, single submitter. Criteria: Invitae Variant Classification Sherloc (09022015). Collection method: clinical testing. Allele origin: germline.
Comment: In summary, the available evidence is currently insufficient to determine the role of this variant in disease. Therefore, it has been classified as a Variant of Uncertain Significance. Algorithms developed to predict the effect of missense changes on protein structure and function (SIFT, PolyPhen-2, Align-GVGD) all suggest that this variant is likely to be tolerated, but these predictions have not been confirmed by published functional studies and their clinical significance is uncertain. This variant has not been reported in the literature in individuals with NEBL-related disease. This variant is present in population databases (rs368856187, ExAC 0.002%). This sequence change replaces alanine with threonine at codon 87 of the NEBL protein (p.Ala87Thr). The alanine residue is weakly conserved and there is a small physicochemical difference between alanine and threonine.

NM_006393.3(NEBL):c.259G>A (p.Ala87Thr)

Gene: NEBL (nebulette; minus strand). Cytogenetic location: 10p12.31.
Variant type: single nucleotide variant.
Coding change: c.259G>A on transcript NM_006393.3 (MANE Select); coding-DNA position 259, G replaced by A.
Protein change: p.Ala87Thr; replaces alanine 87 with threonine.
Molecular consequence: missense variant. On other transcripts: intron variant (9).
Genome position (GRCh38, 1-based): chr10:20,888,207, C>T on the plus strand (G>A on the coding strand, the complement: NEBL is on the minus strand). VCF-style: chr10-20888207-C-T. GRCh37 (hg19) VCF-style: chr10-21177136-C-T.
Other names: c.249+73465G>A (NM_001377326.1, NM_001377327.1, NM_001377328.1); c.357+73465G>A (NM_213569.2, NM_001173484.2, NM_001377322.1); c.300+73465G>A (NM_001377324.1); c.291+73465G>A (NM_001377325.1); c.309+73465G>A (NM_001377323.1); short protein forms A87T.
Identifiers: ClinVar variation 524924 (VCV000524924.9), dbSNP rs368856187, ClinGen allele CA5433302.
Genomic context (GRCh38, chr10:20,888,207, plus strand): 5'-CTGGCATCCGCTTATAAAGAGAATTAGAAAGGTCAGCTTTAATGGTGCCTTTGTATTTTG[C>T]CTGGGGGAAAAAAAAACAGGAAAAAAATAAATAAATAAACTTCCATTTTTTTAAACTGTG-3'
Protein context (NP_006384.1, residues 77-97): VKNIGAFISE[Ala87Thr]KYKGTIKADL